The following is an entry in ClinVar:

NM_000089.4(COL1A2):c.1451G>T (p.Gly484Val)

Gene: COL1A2 (collagen type I alpha 2 chain; plus strand). Cytogenetic location: 7q21.3.
Variant type: single nucleotide variant.
Coding change: c.1451G>T on transcript NM_000089.4 (MANE Select); coding-DNA position 1451, G replaced by T.
Protein change: p.Gly484Val; replaces glycine 484 with valine.
Molecular consequence: missense variant.
Genome position (GRCh38, 1-based): chr7:94,412,630, G>T. VCF-style: chr7-94412630-G-T. GRCh37 (hg19) VCF-style: chr7-94041942-G-T.
Other names: short protein forms G484V.
Identifiers: ClinVar variation 3337936 (VCV003337936.2).
Genomic context (GRCh38, chr7:94,412,630, plus strand): 5'-AACTCTGCTTTCAGGGCCTCCCTGGCATCGACGGCAGGCCTGGCCCAATTGGCCCAGCTG[G>T]AGCAAGAGGAGAGCCTGGCAACATTGGATTCCCTGGACCCAAAGGCCCCACTGTAAGAAT-3'
Protein context (NP_000080.2, residues 474-494): DGRPGPIGPA[Gly484Val]ARGEPGNIGF

ClinVar aggregate classification (germline): Pathogenic (1 of 4 stars; one submission).

Conditions:
Osteogenesis imperfecta type I (OI1). Also called: OI, TYPE I; OSTEOGENESIS IMPERFECTA TARDA; OSTEOGENESIS IMPERFECTA WITH BLUE SCLERAE; Classic Non-deforming Osteogenesis Imperfecta with Blue Sclerae; Lobstein's Disease; Osteogenesis imperfecta type 1. Identifiers: Orphanet 216796, Orphanet 666, MedGen C0023931, MONDO:0008146, OMIM 166200. Disease mechanism: loss of function.

Submission:

Clinical Genetics Laboratory, Skane University Hospital Lund
Classification: Pathogenic for Osteogenesis imperfecta type I. Last evaluated: 2026-02-04. Review status: criteria provided, single submitter. Criteria: ACMG Guidelines, 2015. Collection method: clinical testing. Allele origin: germline. Affected: yes.
Comment: COL1A2 (NM_000089.4) c.1451G>T, p.(Gly484Val) represents a heterozygous nucleotide substitution in exon 25 of 52, which is predicted to be damaging to protein function. COL1A2 c.1451G>T has not been detected in the general population (gnomAD), has previously been described in the literature in one patient (PMID: 9240878). Another amino acid substitution at the same position (c.1451G>A, p.(Gly484Glu)) is predicted to be damaging to protein function, is absent from the general population (gnomAD), and has been reported in the literature in several patients (PMID: 17078022, 29636545). The variant has been classified as pathogenic based on the following ACMG criteria: PS4_supporting, PM2, PM5, PP1, PP3, and PP4_strong.